The following is an entry in ClinVar:

NM_001080449.3(DNA2):c.1993C>A (p.Leu665Ile)

Gene: DNA2 (DNA replication helicase/nuclease 2; minus strand). Cytogenetic location: 10q21.3.
Variant type: single nucleotide variant.
Coding change: c.1993C>A on transcript NM_001080449.3 (MANE Select); coding-DNA position 1993, C replaced by A.
Protein change: p.Leu665Ile; replaces leucine 665 with isoleucine.
Molecular consequence: missense variant.
Genome position (GRCh38, 1-based): chr10:68,430,651, G>T on the plus strand (C>A on the coding strand, the complement: DNA2 is on the minus strand). VCF-style: chr10-68430651-G-T. GRCh37 (hg19) VCF-style: chr10-70190408-G-T.
Other names: c.1993C>A (NM_001080449.2); short protein forms L665I.
Identifiers: ClinVar variation 3604226 (VCV003604226.3).

ClinVar aggregate classification (germline): Uncertain significance. Review status: criteria provided, multiple submitters, no conflicts (2 of 4 stars). 2 submissions from 2 submitters: Uncertain significance (2). Last evaluated 2025-08-07.

gnomAD v4.1: 24 of 1,582,480 alleles (0.0015%); highest among the groups gnomAD compares: South Asian, 0.027%; 1 homozygote.

Submissions (2):

GeneDx
Classification: Uncertain significance. Last evaluated: 2025-08-07. Review status: criteria provided, single submitter. Criteria: GeneDx Variant Classification Process June 2021. Collection method: clinical testing. Allele origin: germline. Affected: yes.
Comment: Has not been previously published as pathogenic or benign to our knowledge; In silico analysis suggests that this missense variant does not alter protein structure/function

Labcorp Genetics (formerly Invitae), Labcorp
Classification: Uncertain significance. Last evaluated: 2025-04-17. Review status: criteria provided, single submitter. Criteria: Invitae Variant Classification Sherloc (09022015). Collection method: clinical testing. Allele origin: germline.
Comment: This sequence change replaces leucine, which is neutral and non-polar, with isoleucine, which is neutral and non-polar, at codon 665 of the DNA2 protein (p.Leu665Ile). The frequency data for this variant in the population databases is considered unreliable, as metrics indicate poor data quality at this position in the gnomAD database. This variant has not been reported in the literature in individuals affected with DNA2-related conditions. ClinVar contains an entry for this variant (Variation ID: 3604226). Invitae Evidence Modeling of protein sequence and biophysical properties (such as structural, functional, and spatial information, amino acid conservation, physicochemical variation, residue mobility, and thermodynamic stability) indicates that this missense variant is expected to disrupt DNA2 protein function with a positive predictive value of 80%. In summary, the available evidence is currently insufficient to determine the role of this variant in disease. Therefore, it has been classified as a Variant of Uncertain Significance.